The following is an entry in ClinVar:

NM_001868.4(CPA1):c.1061T>A (p.Ile354Asn)

Gene: CPA1 (carboxypeptidase A1; plus strand). Cytogenetic location: 7q32.2.
Variant type: single nucleotide variant.
Coding change: c.1061T>A on transcript NM_001868.4 (MANE Select); coding-DNA position 1061, T replaced by A.
Protein change: p.Ile354Asn; replaces isoleucine 354 with asparagine.
Molecular consequence: missense variant.
Genome position (GRCh38, 1-based): chr7:130,385,912, T>A. VCF-style: chr7-130385912-T-A. GRCh37 (hg19) VCF-style: chr7-130025753-T-A.
Other names: short protein forms I354N.
Identifiers: ClinVar variation 3221796 (VCV003221796.1), dbSNP rs2536013261, ClinGen allele CA369284128.

ClinVar aggregate classification (germline): Uncertain significance (1 of 4 stars; one submission).

Conditions:
Hereditary pancreatitis (PCTT). Also called: Hereditary chronic pancreatitis; PRSS1-Related Hereditary Pancreatitis. Identifiers: Orphanet 676, MedGen C0238339, MONDO:0008185, OMIM 167800.

Submission:

Ambry Genetics
Classification: Uncertain significance for Hereditary pancreatitis. Last evaluated: 2024-02-20. Review status: criteria provided, single submitter. Criteria: Ambry Variant Classification Scheme 2023. Collection method: clinical testing. Allele origin: germline.
Comment: The p.I354N variant (also known as c.1061T>A), located in coding exon 9 of the CPA1 gene, results from a T to A substitution at nucleotide position 1061. The isoleucine at codon 354 is replaced by asparagine, an amino acid with dissimilar properties. This amino acid position is conserved. In addition, this alteration is predicted to be tolerated by in silico analysis. Based on the available evidence, the clinical significance of this alteration remains unclear.